The following is an entry in ClinVar:

NM_006941.4(SOX10):c.1269G>A (p.Ser423=)

Genes: POLR2F (RNA polymerase II, I and III subunit F; plus strand), SOX10 (SRY-box transcription factor 10; minus strand). Cytogenetic location: 22q13.1.
Variant type: single nucleotide variant.
Coding change: c.1269G>A on transcript NM_006941.4 (MANE Select); coding-DNA position 1269, G replaced by A.
Protein change: p.Ser423=; no amino-acid change (serine 423 retained).
Molecular consequence: synonymous variant. On other transcripts: intron variant (3).
Genome position (GRCh38, 1-based): chr22:37,973,627, C>T on the plus strand (G>A on the coding strand, the complement: SOX10 is on the minus strand). VCF-style: chr22-37973627-C-T. GRCh37 (hg19) VCF-style: chr22-38369634-C-T.
Other names: c.*38+1317C>T (NM_001363825.1); c.293+6457C>T (NM_001301130.2, NM_001301131.2).
Identifiers: ClinVar variation 2037393 (VCV002037393.5), dbSNP rs565795907, ClinGen allele CA10228503.
Genomic context (GRCh38, chr22:37,973,627, plus strand): 5'-GCTGGGGTCAGAGATGGCCGTGTAGAGGGGCCGCTGCGAGGGCCCCATATAGGAGAAGGC[C>T]GAGTAGAGGCCAGAGGCCTGGCCCGAGTGGCCATAATAGGGTCCTGAGGGCTGATGGTCA-3'
Protein context (NP_008872.1, residues 413-433): GHSGQASGLY[Ser423=]AFSYMGPSQR

ClinVar aggregate classification (germline): Likely benign. Review status: criteria provided, single submitter (1 of 4 stars). 2 submissions from 2 submitters: Likely benign (1). 1 of the submissions does not count toward it. Last evaluated 2023-04-06.

Conditions:
SOX10-related disorder. Also called: SOX10-related condition.

Allele frequency attached by ClinVar (database versions not stated): TOPMed 0.00014; 1000 Genomes Project 30x 0.00016; ExAC 0.00003; gnomAD 0.00003; gnomAD exomes 0.00002; 1000 Genomes Project 0.00020.
gnomAD v4.1: 27 of 1,613,674 alleles (0.0017%); highest among the groups gnomAD compares: Admixed American, 0.017%; no homozygotes.

Submissions (2):

Labcorp Genetics (formerly Invitae), Labcorp
Classification: Likely benign. Last evaluated: 2023-04-06. Review status: criteria provided, single submitter. Criteria: Invitae Variant Classification Sherloc (09022015). Collection method: clinical testing. Allele origin: germline.

PreventionGenetics, part of Exact Sciences
Classification: Likely benign for SOX10-related condition. Last evaluated: 2023-05-21. Review status: no assertion criteria provided. Collection method: clinical testing. Allele origin: germline. Not counted in ClinVar's aggregate classification.
Comment: This variant is classified as likely benign based on ACMG/AMP sequence variant interpretation guidelines (Richards et al. 2015 PMID: 25741868, with internal and published modifications).